The following is an entry in ClinVar:

ClinVar aggregate classification (germline): Uncertain significance (1 of 4 stars; one submission).

Conditions:
Cohen syndrome (COH1). Also called: PEPPER SYNDROME; Cutis verticis gyrata, retinitis pigmentosa, and sensorineural deafness. Identifiers: Orphanet 193, MedGen C0265223, MONDO:0008999, OMIM 216550.

gnomAD v4.1: 1 of 1,612,918 alleles (0.000062%); highest among the groups gnomAD compares: East Asian, 0.0022%; no homozygotes.

Submission:

Labcorp Genetics (formerly Invitae), Labcorp
Classification: Uncertain significance for Cohen syndrome. Last evaluated: 2025-04-14. Review status: criteria provided, single submitter. Criteria: Invitae Variant Classification Sherloc (09022015). Collection method: clinical testing. Allele origin: germline.
Comment: This sequence change replaces lysine, which is basic and polar, with glutamine, which is neutral and polar, at codon 780 of the VPS13B protein (p.Lys780Gln). This variant is not present in population databases (gnomAD no frequency). This variant has not been reported in the literature in individuals affected with VPS13B-related conditions. ClinVar contains an entry for this variant (Variation ID: 951367). Invitae Evidence Modeling of protein sequence and biophysical properties (such as structural, functional, and spatial information, amino acid conservation, physicochemical variation, residue mobility, and thermodynamic stability) indicates that this missense variant is not expected to disrupt VPS13B protein function with a negative predictive value of 80%. In summary, the available evidence is currently insufficient to determine the role of this variant in disease. Therefore, it has been classified as a Variant of Uncertain Significance.

NM_152564.5(VPS13B):c.2338A>C (p.Lys780Gln)

Gene: VPS13B (vacuolar protein sorting 13 homolog B; plus strand). Cytogenetic location: 8q22.2.
Variant type: single nucleotide variant.
Coding change: c.2338A>C on transcript NM_152564.5 (MANE Select); coding-DNA position 2338, A replaced by C.
Protein change: p.Lys780Gln; replaces lysine 780 with glutamine.
Molecular consequence: missense variant.
Genome position (GRCh38, 1-based): chr8:99,192,880, A>C. VCF-style: chr8-99192880-A-C. GRCh37 (hg19) VCF-style: chr8-100205108-A-C.
Other names: c.2338A>C, p.Lys780Gln (NM_015243.3, NM_017890.5); short protein forms K780Q.
Identifiers: ClinVar variation 951367 (VCV000951367.7), dbSNP rs1359263734, ClinGen allele CA371861464.